The following is an entry in ClinVar:

NM_000057.4(BLM):c.4076+4T>C

Gene: BLM (BLM RecQ like helicase; plus strand). Cytogenetic location: 15q26.1.
Variant type: single nucleotide variant.
Coding change: c.4076+4T>C on transcript NM_000057.4 (MANE Select); 4 bases into the intron after coding-DNA position 4076, T replaced by C.
Molecular consequence: intron variant.
Genome position (GRCh38, 1-based): chr15:90,811,410, T>C. VCF-style: chr15-90811410-T-C. GRCh37 (hg19) VCF-style: chr15-91354640-T-C.
Other names: c.4076+4T>C (LRG_20t1, NM_001287246.2); c.2951+4T>C (NM_001287248.2); c.3683+4T>C (NM_001287247.2).
Identifiers: ClinVar variation 434513 (VCV000434513.11), dbSNP rs183176301, ClinGen allele CA645373014.

ClinVar aggregate classification (germline): Uncertain significance. Review status: criteria provided, multiple submitters, no conflicts (2 of 4 stars). 2 submissions from 2 submitters: Uncertain significance (2). Last evaluated 2021-05-18.

Conditions:
Bloom syndrome (BLM). Also called: Bloom-Torre-Machacek syndrome. Identifiers: Orphanet 125, MedGen C0005859, MONDO:0008876, OMIM 210900.

gnomAD v4.1: 15 of 1,613,396 alleles (0.00093%); highest among the groups gnomAD compares: Non-Finnish European, 0.0012%; no homozygotes.

Submissions (2):

Labcorp Genetics (formerly Invitae), Labcorp
Classification: Uncertain significance for Bloom syndrome. Last evaluated: 2021-05-18. Review status: criteria provided, single submitter. Criteria: Invitae Variant Classification Sherloc (09022015). Collection method: clinical testing. Allele origin: germline.
Comment: This variant has not been reported in the literature in individuals with BLM-related conditions. ClinVar contains an entry for this variant (Variation ID: 434513). This sequence change falls in intron 21 of the BLM gene. It does not directly change the encoded amino acid sequence of the BLM protein. It affects a nucleotide within the consensus splice site of the intron. This variant is not present in population databases (ExAC no frequency). Nucleotide substitutions within the consensus splice site are a relatively common cause of aberrant splicing (PMID: 17576681, 9536098). Algorithms developed to predict the effect of sequence changes on RNA splicing suggest that this variant is not likely to affect RNA splicing, but this prediction has not been confirmed by published transcriptional studies. In summary, the available evidence is currently insufficient to determine the role of this variant in disease. Therefore, it has been classified as a Variant of Uncertain Significance.

Genetic Services Laboratory, University of Chicago
Classification: Uncertain significance. Last evaluated: 2017-06-21. Review status: criteria provided, single submitter. Criteria: ACMG Guidelines, 2015. Collection method: clinical testing. Allele origin: germline. Affected: no.

Literature cited by the submitters: PubMed 17576681 (cited by Labcorp Genetics (formerly Invitae), Labcorp); PubMed 9536098 (cited by Labcorp Genetics (formerly Invitae), Labcorp).